The following is an entry in ClinVar:

NM_153704.6(TMEM67):c.2010A>C (p.Thr670=)

Gene: TMEM67 (transmembrane protein 67; plus strand). Cytogenetic location: 8q22.1.
Variant type: single nucleotide variant.
Coding change: c.2010A>C on transcript NM_153704.6 (MANE Select); coding-DNA position 2010, A replaced by C.
Protein change: p.Thr670=; no amino-acid change (threonine 670 retained).
Molecular consequence: synonymous variant. On other transcripts: non-coding transcript variant (1).
Genome position (GRCh38, 1-based): chr8:93,797,380, A>C. VCF-style: chr8-93797380-A-C. GRCh37 (hg19) VCF-style: chr8-94809608-A-C.
Other names: c.1767A>C, p.Thr589= (NM_001142301.1).
Identifiers: ClinVar variation 4979418 (VCV004979418.1).

ClinVar aggregate classification (germline): Likely benign (1 of 4 stars; one submission).

Conditions:
TMEM67-related disorder. Also called: TMEM67-related condition; TMEM67-related disorders. Identifiers: MedGen CN239423.

Submission:

PreventionGenetics, part of Exact Sciences
Classification: Likely benign for TMEM67-related condition. Last evaluated: 2026-06-04. Review status: criteria provided, single submitter. Criteria: ACMG Guidelines, 2015. Collection method: clinical testing. Allele origin: germline.
Comment: This variant is classified as likely benign based on ACMG/AMP sequence variant interpretation guidelines (Richards et al. 2015 PMID: 25741868, with internal and published modifications).